The following is an entry in ClinVar:

NM_001134407.3(GRIN2A):c.-19+8C>T

Gene: GRIN2A (glutamate ionotropic receptor NMDA type subunit 2A; minus strand). Cytogenetic location: 16p13.2.
Variant type: single nucleotide variant.
Coding change: c.-19+8C>T on transcript NM_001134407.3 (MANE Select); 8 bases into the intron after 19 bases upstream of the start codon, C replaced by T.
Molecular consequence: intron variant.
Genome position (GRCh38, 1-based): chr16:10,181,869, G>A on the plus strand (C>T on the coding strand, the complement: GRIN2A is on the minus strand). VCF-style: chr16-10181869-G-A. GRCh37 (hg19) VCF-style: chr16-10275726-G-A.
Other names: c.-19+8C>T (NM_001134408.2, NM_000833.5).
Identifiers: ClinVar variation 377934 (VCV000377934.2), dbSNP rs563518225, ClinGen allele CA16607097.

ClinVar aggregate classification (germline): Benign/Likely benign. Review status: criteria provided, multiple submitters, no conflicts (2 of 4 stars). 2 submissions from 2 submitters: Benign (1); Likely benign (1). Last evaluated 2025-09-10.

Conditions:
Landau-Kleffner syndrome (FESD). Also called: EPILEPSY, FOCAL, WITH SPEECH DISORDER AND WITH OR WITHOUT MENTAL RETARDATION; APHASIA, ACQUIRED, WITH EPILEPSY. Identifiers: Orphanet 1945, Orphanet 725, Orphanet 98818, MedGen C0282512, MONDO:0009509, OMIM 245570.

Allele frequency attached by ClinVar (database versions not stated): gnomAD 0.00084 and 0.00076; 1000 Genomes Project 0.00040; 1000 Genomes Project 30x 0.00047; TOPMed 0.00077.

Submissions (2):

Genomic Medicine Center of Excellence, King Faisal Specialist Hospital and Research Centre
Classification: Likely benign for Landau-Kleffner syndrome. Last evaluated: 2025-09-10. Review status: criteria provided, single submitter. Criteria: ACMG Guidelines, 2015. Collection method: clinical testing. Allele origin: germline.

GeneDx
Classification: Benign. Last evaluated: 2015-07-27. Review status: criteria provided, single submitter. Criteria: GeneDx Variant Classification (06012015). Collection method: clinical testing. Allele origin: germline. Affected: yes.
Comment: This variant is considered likely benign or benign based on one or more of the following criteria: it is a conservative change, it occurs at a poorly conserved position in the protein, it is predicted to be benign by multiple in silico algorithms, and/or has population frequency not consistent with disease.